The following is an entry in ClinVar:

NM_130837.3(OPA1):c.581T>C (p.Ile194Thr)

Gene: OPA1 (OPA1 mitochondrial dynamin like GTPase; plus strand). Cytogenetic location: 3q29.
Variant type: single nucleotide variant.
Coding change: c.581T>C on transcript NM_130837.3 (MANE Select); coding-DNA position 581, T replaced by C.
Protein change: p.Ile194Thr; replaces isoleucine 194 with threonine.
Molecular consequence: missense variant. On other transcripts: intron variant (6).
Genome position (GRCh38, 1-based): chr3:193,617,808, T>C. VCF-style: chr3-193617808-T-C. GRCh37 (hg19) VCF-style: chr3-193335597-T-C.
Other names: c.556+523T>C (NM_015560.2, NM_130836.3, NM_015560.3); c.473T>C, p.Ile158Thr (NM_130832.3, NM_130835.3); c.581T>C, p.Ile194Thr (NM_130834.3); c.184+523T>C (NM_001354664.2); c.77-1061T>C (NM_001354663.2); c.449-1061T>C (NM_130833.3, NM_130831.3); short protein forms I158T, I194T.
Identifiers: ClinVar variation 2167425 (VCV002167425.5), dbSNP rs1294430125, ClinGen allele CA355787840.

ClinVar aggregate classification (germline): Conflicting classifications of pathogenicity. Review status: criteria provided, conflicting classifications (1 of 4 stars). 2 submissions from 2 submitters: Uncertain significance (1); Likely benign (1). Last evaluated 2023-12-27.

Allele frequency attached by ClinVar (database versions not stated): gnomAD exomes below 0.00001; gnomAD 0.00001.
gnomAD v4.1: 5 of 1,613,050 alleles (0.00031%); highest among the groups gnomAD compares: Admixed American, 0.005%; no homozygotes.

Submissions (2):

Labcorp Genetics (formerly Invitae), Labcorp
Classification: Uncertain significance. Last evaluated: 2023-12-27. Review status: criteria provided, single submitter. Criteria: Invitae Variant Classification Sherloc (09022015). Collection method: clinical testing. Allele origin: germline.
Comment: The OPA1 gene has multiple clinically relevant transcripts. This variant occurs in alternate transcript NM_130837.2, and corresponds to NM_015560.2:c.556+523T>C in the primary transcript. This sequence change replaces isoleucine, which is neutral and non-polar, with threonine, which is neutral and polar, at codon 194 of the OPA1 protein ( p.Ile194Thr). This variant is present in population databases (no rsID available, gnomAD 0.003%). This variant has not been reported in the literature in individuals affected with OPA1-related conditions. ClinVar contains an entry for this variant (Variation ID: 2167425). Experimental studies and prediction algorithms are not available or were not evaluated, and the functional significance of this variant is currently unknown. Algorithms developed to predict the effect of sequence changes on RNA splicing suggest that this variant may create or strengthen a splice site. In summary, the available evidence is currently insufficient to determine the role of this variant in disease. Therefore, it has been classified as a Variant of Uncertain Significance.

Women's Health and Genetics/Laboratory Corporation of America, LabCorp
Classification: Likely benign. Last evaluated: 2023-08-31. Review status: criteria provided, single submitter. Criteria: LabCorp Variant Classification Summary - May 2015. Collection method: clinical testing. Allele origin: germline.
Comment: Variant summary: OPA1 c.556+523T>C is located at a position not widely known to affect splicing. Consensus agreement among computation tools predict no significant impact on normal splicing. However, these predictions have yet to be confirmed by functional studies. The variant allele was found at a frequency of 4e-06 in 251280 control chromosomes (gnomAD). The available data on variant occurrences in the general population are insufficient to allow any conclusion about variant significance. To our knowledge, no occurrence of c.556+523T>C in individuals affected with OPA1-Related Disorders and no experimental evidence demonstrating its impact on protein function have been reported. One submitter has cited clinical-significance assessments for this variant to ClinVar after 2014 and has classified the variant as likely benign. Based on the evidence outlined above, the variant was classified as likely benign.